The following is an entry in ClinVar:

NM_003466.4(PAX8):c.602-12G>A

Genes: PAX8 (paired box 8; minus strand), PAX8-AS1 (PAX8 antisense RNA 1; plus strand), LOC126806316 (P300/CBP strongly-dependent group 1 enhancer GRCh37_chr2:113998497-113999696; plus strand). Cytogenetic location: 2q14.1.
Variant type: single nucleotide variant.
Coding change: c.602-12G>A on transcript NM_003466.4 (MANE Select); 12 bases into the intron before coding-DNA position 602, G replaced by A.
Molecular consequence: intron variant.
Genome position (GRCh38, 1-based): chr2:113,241,738, C>T on the plus strand (G>A on the coding strand, the complement: PAX8 is on the minus strand). VCF-style: chr2-113241738-C-T. GRCh37 (hg19) VCF-style: chr2-113999315-C-T.
Other names: c.602-12G>A (NM_013992.4, NM_013953.4, NM_013952.4).
Identifiers: ClinVar variation 1326506 (VCV001326506.2), dbSNP rs768407126, ClinGen allele CA535596462.

ClinVar aggregate classification (germline): Uncertain significance (1 of 4 stars; one submission).

gnomAD v4.1: 1 of 1,613,796 alleles (0.000062%); highest among the groups gnomAD compares: Non-Finnish European, 0.000085%; no homozygotes.

Submission:

GeneDx
Classification: Uncertain significance. Last evaluated: 2021-05-26. Review status: criteria provided, single submitter. Criteria: GeneDx Variant Classification Process June 2021. Collection method: clinical testing. Allele origin: germline. Affected: yes.
Comment: In silico analysis supports a deleterious effect on splicing; Has not been previously published as pathogenic or benign to our knowledge